The following is an entry in ClinVar:

NM_001372.4(DNAH9):c.7719-1G>C

Gene: DNAH9 (dynein axonemal heavy chain 9; plus strand). Cytogenetic location: 17p12.
Variant type: single nucleotide variant.
Coding change: c.7719-1G>C on transcript NM_001372.4 (MANE Select); the canonical splice acceptor site of the intron before coding-DNA position 7719, G replaced by C.
Molecular consequence: splice acceptor variant.
Genome position (GRCh38, 1-based): chr17:11,783,645, G>C. VCF-style: chr17-11783645-G-C. GRCh37 (hg19) VCF-style: chr17-11686962-G-C.
Identifiers: ClinVar variation 3709403 (VCV003709403.2), dbSNP rs141622989.

ClinVar aggregate classification (germline): Likely pathogenic (1 of 4 stars; one submission).

gnomAD v4.1: 11 of 1,613,232 alleles (0.00068%); highest among the groups gnomAD compares: African/African-American, 0.0067%; no homozygotes.

Submission:

Labcorp Genetics (formerly Invitae), Labcorp
Classification: Likely pathogenic. Last evaluated: 2025-04-22. Review status: criteria provided, single submitter. Criteria: Invitae Variant Classification Sherloc (09022015). Collection method: clinical testing. Allele origin: germline.
Comment: This sequence change affects an acceptor splice site in intron 39 of the DNAH9 gene. It is expected to disrupt RNA splicing. Variants that disrupt the donor or acceptor splice site typically lead to a loss of protein function (PMID: 16199547), and loss-of-function variants in DNAH9 are known to be pathogenic (PMID: 30471718). This variant is present in population databases (rs141622989, gnomAD 0.004%). This variant has not been reported in the literature in individuals affected with DNAH9-related conditions. ClinVar contains an entry for this variant (Variation ID: 3709403). Algorithms developed to predict the effect of sequence changes on RNA splicing suggest that this variant may disrupt the consensus splice site. In summary, the currently available evidence indicates that the variant is pathogenic, but additional data are needed to prove that conclusively. Therefore, this variant has been classified as Likely Pathogenic.

Literature cited by the submitters: PubMed 16199547; PubMed 30471718.